The following is an entry in ClinVar:

ClinVar aggregate classification (germline): Likely benign. Review status: criteria provided, multiple submitters, no conflicts (2 of 4 stars). 4 submissions from 3 submitters: Likely benign (4). Last evaluated 2023-11-04.

Conditions:
Usher syndrome type 2A. Also called: RETINAL DISEASE IN USHER SYNDROME TYPE IIA, MODIFIER OF; USHER SYNDROME, TYPE IIA. Identifiers: Orphanet 231178, Orphanet 886, MedGen C1848634, MONDO:0010169, OMIM 276901.
Retinitis pigmentosa 39 (RP39). Identifiers: Orphanet 791, MedGen C3151138, MONDO:0013436, OMIM 613809.

gnomAD v4.1: 25 of 1,613,282 alleles (0.0015%); highest among the groups gnomAD compares: Non-Finnish European, 0.0021%; no homozygotes.

Submissions (4):

Genome-Nilou Lab
Classification: Likely benign for Retinitis pigmentosa 39. Last evaluated: 2023-11-04. Review status: criteria provided, single submitter. Criteria: ACMG Guidelines, 2015. Collection method: clinical testing. Allele origin: germline. Affected: no.

Genome-Nilou Lab
Classification: Likely benign for Usher syndrome type 2A. Last evaluated: 2023-11-04. Review status: criteria provided, single submitter. Criteria: ACMG Guidelines, 2015. Collection method: clinical testing. Allele origin: germline. Affected: no.

Labcorp Genetics (formerly Invitae), Labcorp
Classification: Likely benign. Last evaluated: 2023-03-02. Review status: criteria provided, single submitter. Criteria: Invitae Variant Classification Sherloc (09022015). Collection method: clinical testing. Allele origin: germline.

CeGaT Center for Human Genetics Tuebingen
Classification: Likely benign. Last evaluated: 2022-06-01. Review status: criteria provided, single submitter. Criteria: CeGaT Center For Human Genetics Tuebingen Variant Classification Criteria Version 2. Collection method: clinical testing. Allele origin: germline. Affected: yes. Observed: 1 variant allele.
Comment: USH2A: BP4, BP7

NM_206933.4(USH2A):c.10398C>T (p.Leu3466=)

Gene: USH2A (usherin; minus strand). Cytogenetic location: 1q41.
Variant type: single nucleotide variant.
Coding change: c.10398C>T on transcript NM_206933.4 (MANE Select); coding-DNA position 10398, C replaced by T.
Protein change: p.Leu3466=; no amino-acid change (leucine 3466 retained).
Molecular consequence: synonymous variant.
Genome position (GRCh38, 1-based): chr1:215,782,925, G>A on the plus strand (C>T on the coding strand, the complement: USH2A is on the minus strand). VCF-style: chr1-215782925-G-A. GRCh37 (hg19) VCF-style: chr1-215956267-G-A.
Identifiers: ClinVar variation 1079050 (VCV001079050.32), dbSNP rs563370514, ClinGen allele CA37438041.